The following is an entry in ClinVar:

ClinVar aggregate classification (germline): Conflicting classifications of pathogenicity. Review status: criteria provided, conflicting classifications (1 of 4 stars). 3 submissions from 3 submitters: Uncertain significance (1); Likely benign (1). 1 of the submissions does not count toward it. Last evaluated 2025-05-13.

Conditions:
SLC5A1-related disorder. Also called: SLC5A1-related condition.
Congenital glucose-galactose malabsorption (GGM). Also called: MONOSACCHARIDE MALABSORPTION; DIARRHEA 16. Identifiers: Orphanet 35710, MedGen C0268186, MONDO:0011731, OMIM 606824.

Allele frequency attached by ClinVar (database versions not stated): gnomAD 0.00001; gnomAD exomes 0.00002 and 0.00007; TOPMed 0.00002; ExAC 0.00007.
gnomAD v4.1: 37 of 1,614,040 alleles (0.0023%); highest among the groups gnomAD compares: Admixed American, 0.022%; no homozygotes.

Submissions (3):

Labcorp Genetics (formerly Invitae), Labcorp
Classification: Likely benign for Congenital glucose-galactose malabsorption. Last evaluated: 2025-05-13. Review status: criteria provided, single submitter. Criteria: Invitae Variant Classification Sherloc (09022015). Collection method: clinical testing. Allele origin: germline.

Fulgent Genetics
Classification: Uncertain significance for Congenital glucose-galactose malabsorption. Last evaluated: 2022-01-07. Review status: criteria provided, single submitter. Criteria: ACMG Guidelines, 2015. Collection method: clinical testing. Allele origin: unknown.

PreventionGenetics, part of Exact Sciences
Classification: Likely benign for SLC5A1-related condition. Last evaluated: 2024-09-04. Review status: no assertion criteria provided. Collection method: clinical testing. Allele origin: germline. Not counted in ClinVar's aggregate classification.
Comment: This variant is classified as likely benign based on ACMG/AMP sequence variant interpretation guidelines (Richards et al. 2015 PMID: 25741868, with internal and published modifications).

NM_000343.4(SLC5A1):c.609G>A (p.Thr203=)

Gene: SLC5A1 (solute carrier family 5 member 1; plus strand). Cytogenetic location: 22q12.3.
Variant type: single nucleotide variant.
Coding change: c.609G>A on transcript NM_000343.4 (MANE Select); coding-DNA position 609, G replaced by A.
Protein change: p.Thr203=; no amino-acid change (threonine 203 retained).
Molecular consequence: synonymous variant.
Genome position (GRCh38, 1-based): chr22:32,083,099, G>A. VCF-style: chr22-32083099-G-A. GRCh37 (hg19) VCF-style: chr22-32479086-G-A.
Other names: c.609G>A (NM_000343.3); c.228G>A, p.Thr76= (NM_001256314.2).
Identifiers: ClinVar variation 1346150 (VCV001346150.8), dbSNP rs200276021, ClinGen allele CA10198021.
Genomic context (GRCh38, chr22:32,083,099, plus strand): 5'-ACGAGGTCAGATGTGTTGTCTTCTTGCCTGCTTAGGGGGCCTGGCGGCGGTGATTTACAC[G>A]GACACCTTGCAGACGGTGATCATGCTGGTGGGGTCTTTAATCCTGACTGGGTTTGGTAAG-3'
Protein context (NP_000334.1, residues 193-213): ITGGLAAVIY[Thr203=]DTLQTVIMLV